The following is an entry in ClinVar:

ClinVar aggregate classification (germline): Pathogenic. Review status: criteria provided, multiple submitters, no conflicts (2 of 4 stars). 2 submissions from 2 submitters: Pathogenic (2). Last evaluated 2022-09-08.

Conditions:
Hereditary cancer-predisposing syndrome. Also called: Hereditary neoplastic syndrome; Tumor predisposition; Neoplastic Syndromes, Hereditary; Hereditary Cancer Syndrome. Identifiers: Orphanet 140162, MedGen C0027672, MeSH D009386, MONDO:0015356.
Fumarase deficiency (FMRD). Also called: Fumarate Hydratase Deficiency; Fumaric aciduria. Identifiers: Orphanet 24, MedGen C0342770, MONDO:0011730, OMIM 606812.

Submissions (2):

Baylor Genetics
Classification: Pathogenic for Fumarase deficiency. Last evaluated: 2022-09-08. Review status: criteria provided, single submitter. Criteria: ACMG Guidelines, 2015. Collection method: clinical testing. Allele origin: unknown.

Ambry Genetics
Classification: Pathogenic for Hereditary cancer-predisposing syndrome. Last evaluated: 2016-10-10. Review status: criteria provided, single submitter. Criteria: Ambry Variant Classification Scheme 2023. Collection method: clinical testing. Allele origin: germline.
Comment: The c.563delA pathogenic mutation, located in coding exon 5 of the FH gene, results from a deletion of one nucleotide at nucleotide position 563, causing a translational frameshift with a predicted alternate stop codon. This alteration is expected to result in loss of function by premature protein truncation or nonsense-mediated mRNA decay. As such, this alteration is interpreted as a disease-causing mutation.

NM_000143.4(FH):c.563del (p.Asn188fs)

Gene: FH (fumarate hydratase; minus strand). Cytogenetic location: 1q43.
Variant type: Deletion.
Coding change: c.563del on transcript NM_000143.4 (MANE Select); coding-DNA position 563, one base deleted (A; older notation c.563delA).
Protein change: p.Asn188fs; shifts the reading frame from asparagine 188.
Molecular consequence: frameshift variant.
Genome position (GRCh38, 1-based): chr1:241,508,778, T deleted on the plus strand (A on the coding strand, the reverse complement: FH is on the minus strand); the first of 3 consecutive T bases (chr1:241,508,778-241,508,780); deleting any one gives the same sequence. VCF-style (leftmost placement, unchanged base first): chr1-241508777-AT-A. GRCh37 (hg19) VCF-style: chr1-241672077-AT-A.
Other names: c.563delA (NM_000143.3); short protein forms N188fs.
Identifiers: ClinVar variation 429187 (VCV000429187.6), dbSNP rs1131691248, ClinGen allele CA645369177.